The following is an entry in ClinVar:

NM_001195518.2(MICU1):c.263del (p.Lys88fs)

Gene: MICU1 (mitochondrial calcium uptake 1; minus strand). Cytogenetic location: 10q22.1.
Variant type: Deletion.
Coding change: c.263del on transcript NM_001195518.2 (MANE Select); coding-DNA position 263, one base deleted (A; older notation c.263delA).
Protein change: p.Lys88fs; shifts the reading frame from lysine 88.
Molecular consequence: frameshift variant.
Genome position (GRCh38, 1-based): chr10:72,562,962, T deleted on the plus strand (A on the coding strand, the reverse complement: MICU1 is on the minus strand); the first of 5 consecutive T bases (chr10:72,562,962-72,562,966); deleting any one gives the same sequence. VCF-style (leftmost placement, unchanged base first): chr10-72562961-CT-C. GRCh37 (hg19) VCF-style: chr10-74322719-CT-C.
Other names: c.263del, p.Lys88fs (NM_001363513.2, NM_006077.4); short protein forms K88fs.
Identifiers: ClinVar variation 2127778 (VCV002127778.4), dbSNP rs2495686925, ClinGen allele CA2580081910.

ClinVar aggregate classification (germline): Pathogenic (1 of 4 stars; one submission).

Submission:

Labcorp Genetics (formerly Invitae), Labcorp
Classification: Pathogenic. Last evaluated: 2022-07-21. Review status: criteria provided, single submitter. Criteria: Invitae Variant Classification Sherloc (09022015). Collection method: clinical testing. Allele origin: germline.
Comment: For these reasons, this variant has been classified as Pathogenic. This variant has not been reported in the literature in individuals affected with MICU1-related conditions. This variant is not present in population databases (gnomAD no frequency). This sequence change creates a premature translational stop signal (p.Lys88Argfs*24) in the MICU1 gene. It is expected to result in an absent or disrupted protein product. Loss-of-function variants in MICU1 are known to be pathogenic (PMID: 24336167).

Literature cited by the submitters: PubMed 24336167.